The following is an entry in ClinVar:

NM_001372123.1(IKZF5):c.362A>T (p.Tyr121Phe)

Gene: IKZF5 (IKAROS family zinc finger 5; minus strand). Cytogenetic location: 10q26.13.
Variant type: single nucleotide variant.
Coding change: c.362A>T on transcript NM_001372123.1 (MANE Select); coding-DNA position 362, A replaced by T.
Protein change: p.Tyr121Phe; replaces tyrosine 121 with phenylalanine.
Molecular consequence: missense variant.
Genome position (GRCh38, 1-based): chr10:122,994,678, T>A on the plus strand (A>T on the coding strand, the complement: IKZF5 is on the minus strand). VCF-style: chr10-122994678-T-A. GRCh37 (hg19) VCF-style: chr10-124754194-T-A.
Other names: c.362A>T, p.Tyr121Phe (NM_001271840.1, NM_001372125.1, NM_001372126.1 and 2 more transcripts); c.158A>T, p.Tyr53Phe (NM_001372124.1, NM_001372129.1, NM_001372130.1 and 1 more transcripts); short protein forms Y121F, Y53F.
Identifiers: ClinVar variation 1703863 (VCV001703863.3), dbSNP rs2493512800, ClinGen allele CA378613185.
Genomic context (GRCh38, chr10:122,994,678, plus strand): 5'-TCACATTTGTATGGTTTTTCTCCAGTATGAGAACGCATATGGGCTTCCAGATGACGCTCA[T>A]AAGCAGATGCAAATGGACAAAGATGACATCGATGAGGTTTTTCACCTGTTTCAAAAGAAA-3'
Protein context (NP_001359052.1, residues 111-131): RCHLCPFASA[Tyr121Phe]ERHLEAHMRS

ClinVar aggregate classification (germline): Likely pathogenic (1 of 4 stars; one submission).

Conditions:
Thrombocytopenia 7. Also called: THROMBOCYTOPENIA, AUTOSOMAL DOMINANT, 7. Identifiers: MedGen C5436874, MONDO:0030867, OMIM 619130.

Submission:

ISTH-SSC Genomics in Thrombosis and Hemostasis, KU Leuven, Center for Molecular and Vascular Biology
Classification: Likely pathogenic for Thrombocytopenia 7. Last evaluated: 2023-06-30. Review status: criteria provided, single submitter. Criteria: ACMG Guidelines, 2015. Collection method: clinical testing. Allele origin: germline. Affected: yes. Observed: 1 heterozygote.
Comment: Functional data show impaired DNA binding

Submitted to GoldVariant by Kathleen Freson, Center for Molecular and Vascular Biology, Leuven, Belgium